The following is an entry in ClinVar:

ClinVar aggregate classification (germline): Uncertain significance (1 of 4 stars; one submission).

Conditions:
Hereditary sensory and autonomic neuropathy type 6. Also called: Neuropathy, hereditary sensory and autonomic, type VI; HSAN VI. Identifiers: Orphanet 314381, MedGen C3539003, MONDO:0013839, OMIM 614653.
Epidermolysis bullosa simplex 3, localized or generalized intermediate, with BP230 deficiency (EBS3). Also called: Epidermolysis bullosa simplex, autosomal recessive 2; Epidermolysis bullosa simplex due to BP230 deficiency. Identifiers: Orphanet 412181, MedGen C3809470, MONDO:0014180, OMIM 615425.

Submission:

Labcorp Genetics (formerly Invitae), Labcorp
Classification: Uncertain significance for Epidermolysis bullosa simplex 3, localized or generalized intermediate, with BP230 deficiency; Hereditary sensory and autonomic neuropathy type 6. Last evaluated: 2022-08-01. Review status: criteria provided, single submitter. Criteria: Invitae Variant Classification Sherloc (09022015). Collection method: clinical testing. Allele origin: germline.
Comment: The DST gene has multiple clinically relevant transcripts. This variant occurs in alternate transcript NM_015548.4, and corresponds to NM_001723.5:c.*114299T>C in the primary transcript. Experimental studies and prediction algorithms are not available or were not evaluated, and the effect of this variant on mRNA splicing is currently unknown. In summary, the available evidence is currently insufficient to determine the role of this variant in disease. Therefore, it has been classified as a Variant of Uncertain Significance. This sequence change affects codon 3963 of the DST mRNA. It is a 'silent' change, meaning that it does not change the encoded amino acid sequence of the DST protein. This variant is not present in population databases (gnomAD no frequency). This variant has not been reported in the literature in individuals affected with DST-related conditions.

NM_001374736.1(DST):c.19758T>C (p.Ala6586=)

Gene: DST (dystonin; minus strand). Cytogenetic location: 6p12.1.
Variant type: single nucleotide variant.
Coding change: c.19758T>C on transcript NM_001374736.1 (MANE Select); coding-DNA position 19758, T replaced by C.
Protein change: p.Ala6586=; no amino-acid change (alanine 6586 retained).
Molecular consequence: synonymous variant.
Genome position (GRCh38, 1-based): chr6:56,501,218, A>G on the plus strand (T>C on the coding strand, the complement: DST is on the minus strand). VCF-style: chr6-56501218-A-G. GRCh37 (hg19) VCF-style: chr6-56366016-A-G.
Other names: c.13401T>C, p.Ala4467= (NM_001144769.5); c.12987T>C, p.Ala4329= (NM_001144770.2); c.19758T>C, p.Ala6586= (NM_001374722.1); c.18798T>C, p.Ala6266= (NM_001374729.1); c.12540T>C, p.Ala4180= (NM_001374730.1); c.19785T>C, p.Ala6595= (NM_001374734.1); c.12867T>C, p.Ala4289= (NM_001386100.1, NM_183380.4); c.11889T>C, p.Ala3963= (NM_015548.5).
Identifiers: ClinVar variation 2124922 (VCV002124922.4), dbSNP rs2534145848, ClinGen allele CA450490053.